The following is an entry in ClinVar:

ClinVar aggregate classification (germline): Conflicting classifications of pathogenicity. Review status: criteria provided, conflicting classifications (1 of 4 stars). 9 submissions from 9 submitters: Uncertain significance (3); Benign (1); Likely benign (5). Last evaluated 2026-06-17.

Conditions:
Dilated cardiomyopathy 1G (CMD1G). Identifiers: Orphanet 154, MedGen C1858763, MONDO:0011400, OMIM 604145.
Autosomal recessive limb-girdle muscular dystrophy type 2J (LGMDR10). Also called: Limb-girdle muscular dystrophy, type 2J; MUSCULAR DYSTROPHY, LIMB-GIRDLE, AUTOSOMAL RECESSIVE 10. Identifiers: Orphanet 140922, MedGen C1837342, MONDO:0012127, OMIM 608807.
TTN-related disorder. Also called: TTN-related condition; TTN-related disease; TTN-related disorders.

Allele frequency attached by ClinVar (database versions not stated): 1000 Genomes Project 0.00020; 1000 Genomes Project 30x 0.00047; gnomAD 0.00064 and 0.00071; ESP Exome Variant Server 0.00075; TOPMed 0.00094.
gnomAD v4.1: 215 of 1,613,092 alleles (0.013%); highest among the groups gnomAD compares: African/African-American, 0.25%; no homozygotes.

Submissions (9):

Women's Health and Genetics/Laboratory Corporation of America, LabCorp
Classification: Likely benign. Last evaluated: 2026-06-17. Review status: criteria provided, single submitter. Criteria: LabCorp Variant Classification Summary - May 2015. Collection method: clinical testing. Allele origin: germline.
Comment: Variant summary: TTN c.15331G>T (p.Asp5111Tyr) results in a non-conservative amino acid change in the encoded protein sequence. Algorithms developed to predict the effect of missense changes on protein structure and function are either unavailable or do not agree on the potential impact of this missense change. The variant allele was found at a frequency of 0.00019 in 247214 control chromosomes, predominantly at a frequency of 0.0026 within the African or African-American subpopulation in the gnomAD database. The observed variant frequency within African or African-American control individuals in the gnomAD database exceeds the estimated maximal expected allele frequency for disease-causing variants in TTN. c.15331G>T has been observed with other co-occurring variants in a case of sudden infant death (Campuzano_2018). This report does not provide unequivocal conclusions about association of the variant with Dilated Cardiomyopathy. To our knowledge, no experimental evidence demonstrating an impact on protein function has been reported. The following publication has been ascertained in the context of this evaluation (PMID: 30086531). ClinVar contains an entry for this variant (Variation ID: 178247). Based on the evidence outlined above, the variant was classified as likely benign.

Labcorp Genetics (formerly Invitae), Labcorp
Classification: Likely benign for Dilated cardiomyopathy 1G; Autosomal recessive limb-girdle muscular dystrophy type 2J. Last evaluated: 2026-01-26. Review status: criteria provided, single submitter. Criteria: Invitae Variant Classification Sherloc (09022015). Collection method: clinical testing. Allele origin: germline.

PreventionGenetics, part of Exact Sciences
Classification: Likely benign for TTN-related condition. Last evaluated: 2025-03-17. Review status: criteria provided, single submitter. Criteria: ACMG Guidelines, 2015. Collection method: clinical testing. Allele origin: germline.
Comment: This variant is classified as likely benign based on ACMG/AMP sequence variant interpretation guidelines (Richards et al. 2015 PMID: 25741868, with internal and published modifications).

ARUP Laboratories, Molecular Genetics and Genomics, ARUP Laboratories
Classification: Uncertain significance. Last evaluated: 2019-08-02. Review status: criteria provided, single submitter. Criteria: ARUP Molecular Germline Variant Investigation Process. Collection method: clinical testing. Allele origin: germline.
Comment: The TTN c.19063G>T, p.(Asp6355Tyr) variant (rs188878341; ClinVar Variation ID: 178247) is rare in the general population (<1% allele frequency in the Genome Aggregation Database) and has not been reported in the medical literature in association with dilated cardiomyopathy (DCM) or other TTN-related disease. The clinical relevance of rare missense variants in this gene, which are identified on average once per individual sequenced in affected populations (Herman 2012), is not well understood. Yet, evidence suggests that the vast majority of such missense variants do not contribute to the clinical outcome of DCM (Begay 2015). Thus, the clinical significance of the p.(Asp6355Tyr) variant cannot be determined with certainty.

Blueprint Genetics
Classification: Likely benign. Last evaluated: 2019-04-20. Review status: criteria provided, single submitter. Criteria: ACMG Guidelines, 2015. Collection method: clinical testing. Allele origin: germline.

Athena Diagnostics
Classification: Benign. Last evaluated: 2018-12-27. Review status: criteria provided, single submitter. Criteria: Athena Diagnostics Criteria. Collection method: clinical testing. Allele origin: germline.

GeneDx
Classification: Likely benign. Last evaluated: 2018-03-01. Review status: criteria provided, single submitter. Criteria: GeneDx Variant Classification (06012015). Collection method: clinical testing. Allele origin: germline. Affected: yes.
Comment: This variant is considered likely benign or benign based on one or more of the following criteria: it is a conservative change, it occurs at a poorly conserved position in the protein, it is predicted to be benign by multiple in silico algorithms, and/or has population frequency not consistent with disease.

Eurofins Ntd Llc (ga)
Classification: Uncertain significance. Last evaluated: 2016-12-28. Review status: criteria provided, single submitter. Criteria: EGL Classification Definitions 2015. Collection method: clinical testing. Allele origin: germline. Observed: 1 variant allele, 1 heterozygote.

Laboratory for Molecular Medicine, Mass General Brigham Personalized Medicine
Classification: Uncertain significance. Last evaluated: 2014-07-14. Review status: criteria provided, single submitter. Criteria: LMM Criteria. Collection method: clinical testing. Allele origin: germline. Observed: 1 variant allele.
Comment: Variant classified as Uncertain Significance - Favor Benign. The Asp5111Tyr vari ant in TTN has not been previously reported in individuals with cardiomyopathy, but has been identified in 0.2% (9/3802) of African American chromosomes by the NHLBI Exome Sequencing Project (dbSNP rs18887 8341). Computational prediction tools and conservation analysis do not provide s trong support for or against an impact to the protein. In summary, while the cli nical significance of the Asp5111Tyr variant is uncertain, its frequency suggest s that it is more likely to be benign.

Literature cited by the submitters: PubMed 30086531 (cited by Women's Health and Genetics/Laboratory Corporation of America, LabCorp).

NM_001267550.2(TTN):c.19063G>T (p.Asp6355Tyr)

Gene: TTN (titin; minus strand). Cytogenetic location: 2q31.2.
Variant type: single nucleotide variant.
Coding change: c.19063G>T on transcript NM_001267550.2 (MANE Select); coding-DNA position 19063, G replaced by T.
Protein change: p.Asp6355Tyr; replaces aspartic acid 6355 with tyrosine.
Molecular consequence: missense variant. On other transcripts: intron variant (3).
Genome position (GRCh38, 1-based): chr2:178,728,975, C>A on the plus strand (G>T on the coding strand, the complement: TTN is on the minus strand). VCF-style: chr2-178728975-C-A. GRCh37 (hg19) VCF-style: chr2-179593702-C-A.
Other names: c.13282+9107G>T (NM_003319.4); c.13858+9107G>T (NM_133437.4); c.13657+9107G>T (NM_133432.3); c.18112G>T, p.Asp6038Tyr (NM_001256850.1); c.15331G>T, p.Asp5111Tyr (NM_133378.4); short protein forms D5111Y, D6355Y, D6038Y.
Identifiers: ClinVar variation 178247 (VCV000178247.34), dbSNP rs188878341, ClinGen allele CA181905.